The following is an entry in ClinVar:

NM_014314.4(RIGI):c.2350C>T (p.Gln784Ter)

Genes: RIGI (RNA sensor RIG-I; minus strand), LOC101060445 (uncharacterized LOC101060445; plus strand). Cytogenetic location: 9p21.1.
Variant type: single nucleotide variant.
Coding change: c.2350C>T on transcript NM_014314.4 (MANE Select); coding-DNA position 2350, C replaced by T.
Protein change: p.Gln784Ter; replaces glutamine 784 with a stop codon.
Molecular consequence: nonsense.
Genome position (GRCh38, 1-based): chr9:32,459,502, G>A on the plus strand (C>T on the coding strand, the complement: RIGI is on the minus strand). VCF-style: chr9-32459502-G-A. GRCh37 (hg19) VCF-style: chr9-32459500-G-A.
Other names: c.2344C>T, p.Gln782Ter (NM_001385907.1); c.2179C>T, p.Gln727Ter (NM_001385909.1); c.1909C>T, p.Gln637Ter (NM_001385910.1); c.1741C>T, p.Gln581Ter (NM_001385912.1); c.2335C>T, p.Gln779Ter (NM_001385913.1); c.1906C>T, p.Gln636Ter (NM_001385914.1); short protein forms Q782*, Q636*, Q637*, Q779*, Q727*, Q581*, Q784*.
Identifiers: ClinVar variation 1946705 (VCV001946705.5), dbSNP rs986575916, ClinGen allele CA373144622.

ClinVar aggregate classification (germline): Uncertain significance (1 of 4 stars; one submission).

Allele frequency attached by ClinVar (database versions not stated): gnomAD exomes 0.00001.
gnomAD v4.1: 8 of 1,606,702 alleles (0.0005%); highest among the groups gnomAD compares: Non-Finnish European, 0.00068%; no homozygotes.

Submission:

Labcorp Genetics (formerly Invitae), Labcorp
Classification: Uncertain significance. Last evaluated: 2022-11-20. Review status: criteria provided, single submitter. Criteria: Invitae Variant Classification Sherloc (09022015). Collection method: clinical testing. Allele origin: germline.
Comment: In summary, the available evidence is currently insufficient to determine the role of this variant in disease. Therefore, it has been classified as a Variant of Uncertain Significance. This variant has not been reported in the literature in individuals affected with DDX58-related conditions. This variant is present in population databases (no rsID available, gnomAD 0.002%). This sequence change creates a premature translational stop signal (p.Gln784*) in the DDX58 gene. It is expected to result in an absent or disrupted protein product. However, the current clinical and genetic evidence is not sufficient to establish whether loss-of-function variants in DDX58 cause disease.